The following is an entry in ClinVar:

NM_002336.3(LRP6):c.3074_3082del (p.Ser1025_Tyr1027del)

Gene: LRP6 (LDL receptor related protein 6; minus strand). Cytogenetic location: 12p13.2.
Variant type: Deletion.
Coding change: c.3074_3082del on transcript NM_002336.3 (MANE Select); coding-DNA positions 3074 to 3082, 9 bases deleted (GCCGCTACA; older notation c.3074_3082delGCCGCTACA).
Protein change: p.Ser1025_Tyr1027del.
Molecular consequence: inframe deletion. On other transcripts: non-coding transcript variant (1).
Genome position (GRCh38, 1-based): chr12:12,149,066-12,149,074, TGTAGCGGC deleted on the plus strand (GCCGCTACA on the coding strand, the reverse complement: LRP6 is on the minus strand); deleting any 9 consecutive bases within chr12:12,149,066-12,149,078 gives the same sequence; the c. name uses the placement nearest the transcript's 3' end. VCF-style (leftmost placement, unchanged base first): chr12-12149065-ATGTAGCGGC-A. GRCh37 (hg19) VCF-style: chr12-12301999-ATGTAGCGGC-A.
Other names: c.3074_3082del, p.Ser1025_Tyr1027del (NM_001414244.1, NM_001414245.1, NM_001414246.1 and 4 more transcripts); c.2876_2884del, p.Ser959_Tyr961del (NM_001414247.1); c.2621_2629del, p.Ser874_Tyr876del (NM_001414252.1, NM_001414253.1, NM_001414254.1); c.2567_2575del, p.Ser856_Tyr858del (NM_001414255.1).
Identifiers: ClinVar variation 3381211 (VCV003381211.1).

ClinVar aggregate classification (germline): Pathogenic (1 of 4 stars; one submission).

Conditions:
Tooth agenesis, selective, 7 (STHAG7). Identifiers: Orphanet 99798, MedGen C4225231, MONDO:0014749, OMIM 616724.

Submission:

State Key Laboratory of Oral & Maxillofacial Reconstruction and Regeneration, Key Laboratory of Oral Biomedicine Ministry of Education, Hubei Key Laboratory of Stomatology, School & Hospital of Stomatology, Wuhan University
Classification: Pathogenic for Tooth agenesis, selective, 7. Last evaluated: 2024-10-31. Review status: criteria provided, single submitter. Criteria: ACMG Guidelines, 2015. Collection method: research. Allele origin: de novo. Affected: yes.
Comment: This variant is validated as de novo (paternity and maternity confirmed) (PS2). In vitro functional experiments show that the variant causes impaired gene function (PS3). The variant was not found in gnomeAD (PM2). Missing amino acids lead to non-frameshift mutation (PM4). Multiple lines of computational evidence support a deleterious effect on the gene (PP3). Based on the 2015 ACMG guidelines, this variant was considered pathogenic (PS2, PS3, PM2, PM4, PP3) .